The following is an entry in ClinVar:

ClinVar aggregate classification (germline): Uncertain significance. Review status: criteria provided, multiple submitters, no conflicts (2 of 4 stars). 2 submissions from 2 submitters: Uncertain significance (2). Last evaluated 2025-11-25.

Conditions:
Hereditary cancer-predisposing syndrome. Also called: Hereditary Cancer Syndrome; Neoplastic Syndromes, Hereditary; Hereditary neoplastic syndrome; Tumor predisposition. Identifiers: Orphanet 140162, MedGen C0027672, MeSH D009386, MONDO:0015356.
Birt-Hogg-Dube syndrome. Also called: Birt Hogg Dubé syndrome. Identifiers: Orphanet 122, MedGen C0346010, MONDO:0800444.

Allele frequency attached by ClinVar (database versions not stated): gnomAD exomes 0.00001; ExAC 0.00002.
gnomAD v4.1: 3 of 1,614,258 alleles (0.00019%); highest among the groups gnomAD compares: Non-Finnish European, 0.00025%; no homozygotes.

Submissions (2):

Ambry Genetics
Classification: Uncertain significance for Hereditary cancer-predisposing syndrome. Last evaluated: 2025-11-25. Review status: criteria provided, single submitter. Criteria: Ambry Variant Classification Scheme 2023. Collection method: clinical testing. Allele origin: germline.
Comment: The p.T532P variant (also known as c.1594A>C), located in coding exon 11 of the FLCN gene, results from an A to C substitution at nucleotide position 1594. The threonine at codon 532 is replaced by proline, an amino acid with highly similar properties. This amino acid position is highly conserved in available vertebrate species. In addition, this alteration is predicted to be deleterious by in silico analysis. Since supporting evidence is limited at this time, the clinical significance of this alteration remains unclear.

Labcorp Genetics (formerly Invitae), Labcorp
Classification: Uncertain significance for Birt-Hogg-Dube syndrome. Last evaluated: 2025-05-01. Review status: criteria provided, single submitter. Criteria: Invitae Variant Classification Sherloc (09022015). Collection method: clinical testing. Allele origin: germline.
Comment: This sequence change replaces threonine, which is neutral and polar, with proline, which is neutral and non-polar, at codon 532 of the FLCN protein (p.Thr532Pro). This variant is present in population databases (rs753023144, gnomAD 0.002%). This variant has not been reported in the literature in individuals affected with FLCN-related conditions. ClinVar contains an entry for this variant (Variation ID: 819626). Invitae Evidence Modeling of protein sequence and biophysical properties (such as structural, functional, and spatial information, amino acid conservation, physicochemical variation, residue mobility, and thermodynamic stability) indicates that this missense variant is not expected to disrupt FLCN protein function with a negative predictive value of 80%. In summary, the available evidence is currently insufficient to determine the role of this variant in disease. Therefore, it has been classified as a Variant of Uncertain Significance.

NM_144997.7(FLCN):c.1594A>C (p.Thr532Pro)

Gene: FLCN (folliculin; minus strand). Cytogenetic location: 17p11.2.
Variant type: single nucleotide variant.
Coding change: c.1594A>C on transcript NM_144997.7 (MANE Select); coding-DNA position 1594, A replaced by C.
Protein change: p.Thr532Pro; replaces threonine 532 with proline.
Molecular consequence: missense variant.
Genome position (GRCh38, 1-based): chr17:17,213,801, T>G on the plus strand (A>C on the coding strand, the complement: FLCN is on the minus strand). VCF-style: chr17-17213801-T-G. GRCh37 (hg19) VCF-style: chr17-17117115-T-G.
Other names: c.1648A>C, p.Thr550Pro (NM_001353229.2); c.1594A>C, p.Thr532Pro (NM_001353230.2, NM_001353231.2); short protein forms T532P, T550P.
Identifiers: ClinVar variation 819626 (VCV000819626.11), dbSNP rs753023144, ClinGen allele CA8415931.